The following is an entry in ClinVar:

ClinVar aggregate classification (germline): Uncertain significance. Review status: criteria provided, multiple submitters, no conflicts (2 of 4 stars). 2 submissions from 2 submitters: Uncertain significance (2). Last evaluated 2025-10-09.

Conditions:
Inborn genetic diseases. Identifiers: MedGen C0950123, MeSH D030342.

Allele frequency attached by ClinVar (database versions not stated): ESP Exome Variant Server 0.00008; ExAC 0.00010; gnomAD 0.00011; TOPMed 0.00014; 1000 Genomes Project 30x 0.00016; 1000 Genomes Project 0.00020.
gnomAD v4.1: 112 of 1,610,100 alleles (0.007%); highest among the groups gnomAD compares: Admixed American, 0.022%; no homozygotes.

Submissions (2):

Labcorp Genetics (formerly Invitae), Labcorp
Classification: Uncertain significance. Last evaluated: 2025-10-09. Review status: criteria provided, single submitter. Criteria: Invitae Variant Classification Sherloc (09022015). Collection method: clinical testing. Allele origin: germline.
Comment: This sequence change replaces valine, which is neutral and non-polar, with methionine, which is neutral and non-polar, at codon 284 of the PMPCA protein (p.Val284Met). This variant is present in population databases (rs374905438, gnomAD 0.01%). This variant has not been reported in the literature in individuals affected with PMPCA-related conditions. ClinVar contains an entry for this variant (Variation ID: 2371301). An algorithm developed to predict the effect of missense changes on protein structure and function (PolyPhen-2) suggests that this variant is likely to be tolerated. In summary, the available evidence is currently insufficient to determine the role of this variant in disease. Therefore, it has been classified as a Variant of Uncertain Significance.

Ambry Genetics
Classification: Uncertain significance for Inborn genetic diseases. Last evaluated: 2021-04-15. Review status: criteria provided, single submitter. Criteria: Ambry Variant Classification Scheme 2023. Collection method: clinical testing. Allele origin: germline.

NM_015160.3(PMPCA):c.850G>A (p.Val284Met)

Gene: PMPCA (peptidase, mitochondrial processing subunit alpha; plus strand). Cytogenetic location: 9q34.3.
Variant type: single nucleotide variant.
Coding change: c.850G>A on transcript NM_015160.3 (MANE Select); coding-DNA position 850, G replaced by A.
Protein change: p.Val284Met; replaces valine 284 with methionine.
Molecular consequence: missense variant.
Genome position (GRCh38, 1-based): chr9:136,417,167, G>A. VCF-style: chr9-136417167-G-A. GRCh37 (hg19) VCF-style: chr9-139311619-G-A.
Other names: c.457G>A, p.Val153Met (NM_001282944.2); c.550G>A, p.Val184Met (NM_001282946.2); short protein forms V153M, V284M, V184M.
Identifiers: ClinVar variation 2371301 (VCV002371301.3), dbSNP rs374905438, ClinGen allele CA5336176.